The following is an entry in ClinVar:

NM_017433.5(MYO3A):c.892C>T (p.Gln298Ter)

Gene: MYO3A (myosin IIIA; plus strand). Cytogenetic location: 10p12.1.
Variant type: single nucleotide variant.
Coding change: c.892C>T on transcript NM_017433.5 (MANE Select); coding-DNA position 892, C replaced by T.
Protein change: p.Gln298Ter; replaces glutamine 298 with a stop codon.
Molecular consequence: nonsense.
Genome position (GRCh38, 1-based): chr10:26,026,471, C>T. VCF-style: chr10-26026471-C-T. GRCh37 (hg19) VCF-style: chr10-26315400-C-T.
Other names: short protein forms Q298*.
Identifiers: ClinVar variation 1687422 (VCV001687422.8), dbSNP rs563832490, ClinGen allele CA5444474.

ClinVar aggregate classification (germline): Pathogenic. Review status: criteria provided, multiple submitters, no conflicts (2 of 4 stars). 4 submissions from 4 submitters: Pathogenic (4). Last evaluated 2026-07-16.

Conditions:
Monogenic hearing loss.
Autosomal recessive nonsyndromic hearing loss 30. Identifiers: Orphanet 90636, MedGen C1846784, MONDO:0011774, OMIM 607101.

Allele frequency attached by ClinVar (database versions not stated): gnomAD 0.00002; gnomAD exomes 0.00009 and 0.00012; ExAC 0.00011.
gnomAD v4.1: 128 of 1,614,070 alleles (0.0079%); highest among the groups gnomAD compares: South Asian, 0.14%; 2 homozygotes.

Submissions (4):

Genetics Laboratory, Great Ormond Street Hospital NHS Foundation Trust, North Thames Genomic Laboratory Hub
Classification: Pathogenic for Monogenic hearing loss. Last evaluated: 2026-07-16. Review status: criteria provided, single submitter. Criteria: ACGS Best Practice Guidelines for Variant Classification in Rare Disease 2024 v1.2. Collection method: clinical testing. Allele origin: germline. Affected: yes.
Comment: PM2_supporting, PVS1_very-strong, PM3_moderate

First Genomix Gene Laboratory, Genetic Diagnostics Department
Classification: Pathogenic for Autosomal recessive nonsyndromic hearing loss 30. Last evaluated: 2025-01-22. Review status: criteria provided, single submitter. Criteria: ACMG Guidelines, 2015. Collection method: clinical testing. Allele origin: germline. Inheritance: Autosomal recessive inheritance. Affected: no. Observed: 1 variant allele.

Labcorp Genetics (formerly Invitae), Labcorp
Classification: Pathogenic. Last evaluated: 2024-12-31. Review status: criteria provided, single submitter. Criteria: Invitae Variant Classification Sherloc (09022015). Collection method: clinical testing. Allele origin: germline.
Comment: This sequence change creates a premature translational stop signal (p.Gln298*) in the MYO3A gene. It is expected to result in an absent or disrupted protein product. Loss-of-function variants in MYO3A are known to be pathogenic (PMID: 12032315, 23990876). This variant is present in population databases (rs563832490, gnomAD 0.09%). This variant has not been reported in the literature in individuals affected with MYO3A-related conditions. ClinVar contains an entry for this variant (Variation ID: 1687422). For these reasons, this variant has been classified as Pathogenic.

3billion
Classification: Pathogenic for Autosomal recessive nonsyndromic hearing loss 30. Last evaluated: 2022-05-22. Review status: criteria provided, single submitter. Criteria: ACMG Guidelines, 2015. Collection method: clinical testing. Allele origin: germline. Affected: yes. Observed: 1 homozygote.
Comment: The substitution creates a nonsense variant, which is expected to cause a loss of normal protein function via nonsense-mediated mRNA decay. It has been reported with an extremely low frequency in the gnomAD v2.1.1 datase.Therefore, this variant is classified as pathogenic according to the recommendation of ACMG/AMP guideline.

Literature cited by the submitters: PubMed 12032315 (cited by Labcorp Genetics (formerly Invitae), Labcorp); PubMed 23990876 (cited by Labcorp Genetics (formerly Invitae), Labcorp).